The following is an entry in ClinVar:

NM_006147.4(IRF6):c.134G>A (p.Arg45Gln)

Gene: IRF6 (interferon regulatory factor 6; minus strand). Cytogenetic location: 1q32.2.
Variant type: single nucleotide variant.
Coding change: c.134G>A on transcript NM_006147.4 (MANE Select); coding-DNA position 134, G replaced by A.
Protein change: p.Arg45Gln; replaces arginine 45 with glutamine.
Molecular consequence: missense variant. On other transcripts: intron variant (1).
Genome position (GRCh38, 1-based): chr1:209,801,280, C>T on the plus strand (G>A on the coding strand, the complement: IRF6 is on the minus strand). VCF-style: chr1-209801280-C-T. GRCh37 (hg19) VCF-style: chr1-209974625-C-T.
Other names: c.-112+4667G>A (NM_001206696.2); short protein forms R45Q.
Identifiers: ClinVar variation 3421 (VCV000003421.11), dbSNP rs121434229, ClinGen allele CA252764.

ClinVar aggregate classification (germline): Conflicting classifications of pathogenicity. Review status: criteria provided, conflicting classifications (1 of 4 stars). 5 submissions from 5 submitters: Likely pathogenic (2); Uncertain significance (1). 1 of the submissions does not count toward it. Last evaluated 2025-11-10.

Conditions:
Van der Woude syndrome. Identifiers: Orphanet 888, MedGen C0175697, MONDO:0019508.
Orofacial cleft 6, susceptibility to (OFC6). Also called: CLEFT LIP WITH OR WITHOUT CLEFT PALATE, NONSYNDROMIC, 6. Identifiers: MedGen C1837213, MONDO:0012141, OMIM 608864.
Popliteal pterygium syndrome (PPS). Identifiers: Orphanet 294963, MedGen C0265259, MONDO:0017435.
Autosomal dominant popliteal pterygium syndrome. Also called: FACIOGENITOPOPLITEAL SYNDROME; CLEFT LIP/PALATE, PARAMEDIAN MUCOUS CYSTS OF THE LOWER LIP, POPLITEAL PTERYGIUM, DIGITAL AND GENITAL ANOMALIES; Popliteal Pterygium Syndrome (PPS). Identifiers: Orphanet 1300, MedGen C5848052, MONDO:0007334, OMIM 119500.
Van der Woude syndrome 1. Also called: CLEFT LIP AND/OR PALATE WITH MUCOUS CYSTS OF LOWER LIP; van der Woude Syndrome (VWS). Identifiers: MedGen C4551864, MONDO:0007333, OMIM 119300.

Allele frequency attached by ClinVar (database versions not stated): ExAC 0.00001; 1000 Genomes Project 30x 0.00016; gnomAD 0.00001; gnomAD exomes below 0.00001; 1000 Genomes Project 0.00020.
gnomAD v4.1: 6 of 1,613,812 alleles (0.00037%); highest among the groups gnomAD compares: African/African-American, 0.0013%; no homozygotes.

Submissions (4):

GeneDx
Classification: Uncertain significance. Last evaluated: 2025-11-10. Review status: criteria provided, single submitter. Criteria: GeneDx Variant Classification Process June 2021. Collection method: clinical testing. Allele origin: germline. Affected: yes.
Comment: Identified in both affected and unaffected relatives in a family with non-syndromic orofacial clefts in published literature (PMID: 36901693); Not observed at significant frequency in large population cohorts (gnomAD); In silico analysis supports that this missense variant has a deleterious effect on protein structure/function; This variant is associated with the following publications: (PMID: 36901693, 14618417, 28945736, 23154523, 38370976, 18506368)

Labcorp Genetics (formerly Invitae), Labcorp
Classification: Likely pathogenic for Orofacial cleft 6, susceptibility to; Van der Woude syndrome; Popliteal pterygium syndrome. Last evaluated: 2024-01-15. Review status: criteria provided, single submitter. Criteria: Invitae Variant Classification Sherloc (09022015). Collection method: clinical testing. Allele origin: germline.
Comment: This sequence change replaces arginine, which is basic and polar, with glutamine, which is neutral and polar, at codon 45 of the IRF6 protein (p.Arg45Gln). This variant is present in population databases (rs121434229, gnomAD 0.007%). This missense change has been observed in individuals with clinical features of IRF6-related conditions (PMID: 14618417, 36901693; Invitae). ClinVar contains an entry for this variant (Variation ID: 3421). Advanced modeling of protein sequence and biophysical properties (such as structural, functional, and spatial information, amino acid conservation, physicochemical variation, residue mobility, and thermodynamic stability) performed at Invitae indicates that this missense variant is expected to disrupt IRF6 protein function with a positive predictive value of 80%. Experimental studies have shown that this missense change does not substantially affect IRF6 function (PMID: 28945736). This variant disrupts the p.Arg45 amino acid residue in IRF6. Other variant(s) that disrupt this residue have been observed in individuals with IRF6-related conditions (PMID: 14618417, 18506368, 36901693), which suggests that this may be a clinically significant amino acid residue. In summary, the currently available evidence indicates that the variant is pathogenic, but additional data are needed to prove that conclusively. Therefore, this variant has been classified as Likely Pathogenic.

Clinical Biomedical Laboratory, Shriners Hospital For Children - Canada
Classification: Likely pathogenic for Autosomal dominant popliteal pterygium syndrome. Review status: criteria provided, single submitter. Criteria: ACMG Guidelines, 2015. Collection method: clinical testing. Allele origin: germline. Affected: yes.
Comment: This variant is predicted to substitute an arginine residue by a glutamine residue in the DNA binding domain of IRF6. The variant is absent in the Genome Aggregation Database (gnomAD v2.1.1), indicating it is very rare. Computational tools (REVEL: 0.82) suggest that the amino acid change is damaging to protein function. This variant has been reported in the literature as a cause of popliteal pterygium syndrome several times (e.g., PMID 23154523). Based on the ACMG variant interpretation guidelines (criteria: PM5, PP2, PP3), the available evidence supports classification of this variant as likely pathogenic.

Faculty of Pharmacy, University of Ljubljana
Classification: Likely pathogenic for Van der Woude syndrome. Review status: no assertion criteria provided. Collection method: research. Allele origin: germline. Inheritance: Autosomal dominant inheritance. Affected: yes. Observed: 3 variant alleles, 3 heterozygotes. Clinical features observed: cleft palate, lip pits. Not counted in ClinVar's aggregate classification.

Literature cited by the submitters: PubMed 14618417 (cited by Labcorp Genetics (formerly Invitae), Labcorp); PubMed 36901693 (cited by Labcorp Genetics (formerly Invitae), Labcorp and Faculty of Pharmacy, University of Ljubljana); PubMed 28945736 (cited by Labcorp Genetics (formerly Invitae), Labcorp); PubMed 18506368 (cited by Labcorp Genetics (formerly Invitae), Labcorp).